The following is an entry in ClinVar:

ClinVar aggregate classification (germline): Uncertain significance (0 of 4 stars; one submission).

Conditions:
GNAS-related disorder. Identifiers: MedGen CN380105.

Allele frequency attached by ClinVar (database versions not stated): gnomAD 0.00001; TOPMed 0.00001; gnomAD exomes 0.00001.
gnomAD v4.1: 7 of 1,612,512 alleles (0.00043%); highest among the groups gnomAD compares: Non-Finnish European, 0.00059%; no homozygotes.

Submission:

PreventionGenetics, part of Exact Sciences
Classification: Uncertain significance for GNAS-related condition. Last evaluated: 2024-02-14. Review status: no assertion criteria provided. Collection method: clinical testing. Allele origin: germline.
Comment: The GNAS c.514A>G variant is predicted to result in the amino acid substitution p.Arg172Gly. To our knowledge, this variant has not been reported in the literature. This variant is reported in 0.0065% of alleles in individuals of European (Non-Finnish) descent in gnomAD. At this time, the clinical significance of this variant is uncertain due to the absence of conclusive functional and genetic evidence.

NM_080425.4(GNAS):c.514A>G (p.Arg172Gly)

Gene: GNAS (GNAS complex locus; plus strand). Cytogenetic location: 20q13.32.
Variant type: single nucleotide variant.
Coding change: c.514A>G on transcript NM_080425.4 (MANE Plus Clinical); coding-DNA position 514, A replaced by G.
Protein change: p.Arg172Gly; replaces arginine 172 with glycine.
Molecular consequence: missense variant. On other transcripts: synonymous variant (2), intron variant (3).
Genome position (GRCh38, 1-based): chr20:58,853,779, A>G. VCF-style: chr20-58853779-A-G. GRCh37 (hg19) VCF-style: chr20-57428834-A-G.
Other names: c.327A>G, p.Arg109= (NM_001077490.3, NM_001309883.1); c.514A>G, p.Arg172Gly (NM_001410913.1); c.*42+12893A>G (NM_016592.5); c.43+12893A>G (NM_001410912.1); c.-39+11904A>G (NM_001309861.2); short protein forms R172G.
Identifiers: ClinVar variation 3049295 (VCV003049295.2), dbSNP rs1398574783, ClinGen allele CA409456175.